The following is an entry in ClinVar:

NM_000484.4(APP):c.*967G>A

Gene: APP (amyloid beta precursor protein; minus strand). Cytogenetic location: 21q21.3.
Variant type: single nucleotide variant.
Coding change: c.*967G>A on transcript NM_000484.4 (MANE Select); 967 bases downstream of the stop codon, G replaced by A.
Molecular consequence: 3 prime UTR variant.
Genome position (GRCh38, 1-based): chr21:25,880,703, C>T on the plus strand (G>A on the coding strand, the complement: APP is on the minus strand). VCF-style: chr21-25880703-C-T. GRCh37 (hg19) VCF-style: chr21-27253014-C-T.
Other names: c.*967G>A (NM_001136016.3, NM_001136129.3, NM_001136130.3 and 7 more transcripts).
Identifiers: ClinVar variation 339620 (VCV000339620.5), dbSNP rs45541739, ClinGen allele CA10652856.

ClinVar aggregate classification (germline): Benign (1 of 4 stars; one submission).

Conditions:
Alzheimer disease. Also called: Presenile and senile dementia; Alzheimer's disease. Identifiers: Orphanet 1020, MedGen C0002395, MeSH D000544, MONDO:0004975, HP:0002511.

Allele frequency attached by ClinVar (database versions not stated): gnomAD 0.00669; 1000 Genomes Project 0.00739; TOPMed 0.00750; 1000 Genomes Project 30x 0.00765.

Submission:

Illumina Laboratory Services, Illumina
Classification: Benign for Alzheimer disease type 1. Last evaluated: 2018-01-12. Review status: criteria provided, single submitter. Criteria: ICSL Variant Classification Criteria 13 December 2019. Collection method: clinical testing. Allele origin: germline.
Comment: This variant was observed in the ICSL laboratory as part of a predisposition screen in an ostensibly healthy population. It had not been previously curated by ICSL or reported in the Human Gene Mutation Database (HGMD: prior to June 1st, 2018), and was therefore a candidate for classification through an automated scoring system. Utilizing variant allele frequency, disease prevalence and penetrance estimates, and inheritance mode, an automated score was calculated to assess if this variant is too frequent to cause the disease. Based on the score and internal cut-off values, a variant classified as benign is not then subjected to further curation. The score for this variant resulted in a classification of benign for this disease.